The following is an entry in ClinVar:

ClinVar aggregate classification (germline): Conflicting classifications of pathogenicity. Review status: criteria provided, conflicting classifications (1 of 4 stars). 5 submissions from 5 submitters: Pathogenic (1); Likely pathogenic (3); Uncertain significance (1). Last evaluated 2026-03-05.

Conditions:
DOLK-related disorder. Also called: DOLK-related condition.
Cardiovascular phenotype. Identifiers: MedGen CN230736.
DK1-congenital disorder of glycosylation. Also called: CONGENITAL DISORDER OF GLYCOSYLATION, TYPE Im; DOLK-congenital disorder of glycosylation; Carbohydrate deficient glycoprotein syndrome type 1m; DK1-CDG; CDG Im; DK1 DEFICIENCY. Identifiers: Orphanet 91131, MedGen C1835849, MONDO:0012556, OMIM 610768.

Allele frequency attached by ClinVar (database versions not stated): ExAC 0.00002; gnomAD exomes 0.00004 and 0.00012; gnomAD 0.00005; TOPMed 0.00007; ESP Exome Variant Server 0.00015.

Submissions (5):

PreventionGenetics, part of Exact Sciences
Classification: Likely pathogenic for DOLK-related condition. Last evaluated: 2026-03-05. Review status: criteria provided, single submitter. Criteria: ACMG Guidelines, 2015. Collection method: clinical testing. Allele origin: germline.
Comment: The DOLK c.1558A>G variant is predicted to result in the amino acid substitution p.Thr520Ala. This variant has been reported in the compound heterozygous state in two families with DOLK-related disease (Rush et al. 2017. PubMed ID: 28816422; Komlosi et al. 2021. PubMed ID: 34956305). This variant was also detected in a cohort of individuals referred for whole exome sequencing, though no additional details were provided that could help establish pathogenicity (Supplemental Table 3, Retterer et al. 2016. PubMed ID: 26633542). This variant is reported in 0.0062% of alleles in individuals of European (Non-Finnish) descent in gnomAD. This variant is interpreted as likely pathogenic.

Labcorp Genetics (formerly Invitae), Labcorp
Classification: Pathogenic for DK1-congenital disorder of glycosylation. Last evaluated: 2026-01-21. Review status: criteria provided, single submitter. Criteria: Invitae Variant Classification Sherloc (09022015). Collection method: clinical testing. Allele origin: germline.
Comment: This sequence change replaces threonine, which is neutral and polar, with alanine, which is neutral and non-polar, at codon 520 of the DOLK protein (p.Thr520Ala). This variant is present in population databases (rs374860681, gnomAD 0.005%). This missense change has been observed in individual(s) with DOLK-congenital disorder of glycosylation (PMID: 28816422, 34956305). It has also been observed to segregate with disease in related individuals. ClinVar contains an entry for this variant (Variation ID: 653127). Invitae Evidence Modeling of protein sequence and biophysical properties (such as structural, functional, and spatial information, amino acid conservation, physicochemical variation, residue mobility, and thermodynamic stability) indicates that this missense variant is expected to disrupt DOLK protein function with a positive predictive value of 80%. For these reasons, this variant has been classified as Pathogenic.

Fulgent Genetics
Classification: Likely pathogenic for DK1-congenital disorder of glycosylation. Last evaluated: 2024-04-12. Review status: criteria provided, single submitter. Criteria: ACMG Guidelines, 2015. Collection method: clinical testing. Allele origin: germline.

Mayo Clinic Laboratories, Mayo Clinic
Classification: Likely pathogenic. Last evaluated: 2023-12-05. Review status: criteria provided, single submitter. Criteria: ACMG Guidelines, 2015. Collection method: clinical testing. Allele origin: germline. Observed: 1 variant allele.
Comment: PP1_strong, PP4, PM3

Ambry Genetics
Classification: Uncertain significance for Cardiovascular phenotype. Last evaluated: 2023-06-21. Review status: criteria provided, single submitter. Criteria: Ambry Variant Classification Scheme 2023. Collection method: clinical testing. Allele origin: germline.
Comment: The p.T520A variant (also known as c.1558A>G), located in coding exon 1 of the DOLK gene, results from an A to G substitution at nucleotide position 1558. The threonine at codon 520 is replaced by alanine, an amino acid with similar properties. This variant has been detected in trans with a DOLK nonsense alteration in two siblings with severe neonatal presentations with findings that included severe icthyosis, distal digital truncations, and dilated cardiomyopathy with and without non-compaction cardiomyopathy (Rush ET et al. Am. J. Med. Genet. A, 2017 Sep;173:2428-2434). This variant has been detected in trans with a DOLK missense variant in two related cases with lethal ichthyosis, distal digital constrictions, cardiomegaly and additional findings (Komlosi K et al. Front Genet. 2021 Dec;12:719624). This variant was also detected in an exome sequencing referral cohort; however, details were not provided (Retterer K et al. Genet. Med., 2016 07;18:696-704). This amino acid position is highly conserved in available vertebrate species. In addition, this alteration is predicted to be deleterious by in silico analysis. Since supporting evidence is limited at this time, the clinical significance of this alteration remains unclear.

Literature cited by the submitters: PubMed 28816422 (cited by 3 submitters); PubMed 34956305 (cited by 3 submitters); PubMed 26633542 (cited by Mayo Clinic Laboratories, Mayo Clinic and Ambry Genetics).

NM_014908.4(DOLK):c.1558A>G (p.Thr520Ala)

Gene: DOLK (dolichol kinase; minus strand). Cytogenetic location: 9q34.11.
Variant type: single nucleotide variant.
Coding change: c.1558A>G on transcript NM_014908.4 (MANE Select); coding-DNA position 1558, A replaced by G.
Protein change: p.Thr520Ala; replaces threonine 520 with alanine.
Molecular consequence: missense variant.
Genome position (GRCh38, 1-based): chr9:128,945,746, T>C on the plus strand (A>G on the coding strand, the complement: DOLK is on the minus strand). VCF-style: chr9-128945746-T-C. GRCh37 (hg19) VCF-style: chr9-131708025-T-C.
Other names: p.Thr520Ala; short protein forms T520A.
Identifiers: ClinVar variation 653127 (VCV000653127.17), dbSNP rs374860681, ClinGen allele CA5271544.